The following is an entry in ClinVar:

ClinVar aggregate classification (germline): Likely pathogenic (1 of 4 stars; one submission).

Submission:

Mayo Clinic Laboratories, Mayo Clinic
Classification: Likely pathogenic. Last evaluated: 2025-07-01. Review status: criteria provided, single submitter. Criteria: ACMG Guidelines, 2015. Collection method: clinical testing. Allele origin: germline. Observed: 1 variant allele.
Comment: PP2, PP3_strong, PM1, PM2_supporting, PS4_supporting

Literature cited by the submitters: PubMed 15364702; PubMed 16009764; PubMed 23197537; PubMed 38254727.

NM_000435.3(NOTCH3):c.1183T>C (p.Cys395Arg)

Gene: NOTCH3 (notch receptor 3; minus strand). Cytogenetic location: 19p13.12.
Variant type: single nucleotide variant.
Coding change: c.1183T>C on transcript NM_000435.3 (MANE Select); coding-DNA position 1183, T replaced by C.
Protein change: p.Cys395Arg; replaces cysteine 395 with arginine.
Molecular consequence: missense variant.
Genome position (GRCh38, 1-based): chr19:15,189,282, A>G on the plus strand (T>C on the coding strand, the complement: NOTCH3 is on the minus strand). VCF-style: chr19-15189282-A-G. GRCh37 (hg19) VCF-style: chr19-15300093-A-G.
Other names: p.Cys395Arg; short protein forms C395R.
Identifiers: ClinVar variation 4542328 (VCV004542328.1).
Genomic context (GRCh38, chr19:15,189,282, plus strand): 5'-CTCCTCTCCCCTCTTTCCCAGCCCATTCACAGACGATGGAGCTCCCCTCACCGATAGAGC[A>G]CTCGTCCACATCCTGGTCACATGCCCCACCCGTGAAGCCGGGAGGACAGGTGCAAATGGC-3'
Protein context (NP_000426.2, residues 385-405): GGACDQDVDE[Cys395Arg]SIGANPCEHL